The following is an entry in ClinVar:

ClinVar aggregate classification (germline): Uncertain significance. Review status: criteria provided, multiple submitters, no conflicts (2 of 4 stars). 2 submissions from 2 submitters: Uncertain significance (2). Last evaluated 2026-07-28.

Conditions:
Gorlin syndrome. Also called: Nevoid Basal Cell Carcinoma Syndrome; Basal cell nevus syndrome. Identifiers: Orphanet 377, MedGen C0004779, MONDO:0007187.
Hereditary cancer-predisposing syndrome. Also called: Hereditary Cancer Syndrome; Hereditary neoplastic syndrome; Neoplastic Syndromes, Hereditary; Tumor predisposition. Identifiers: Orphanet 140162, MedGen C0027672, MeSH D009386, MONDO:0015356.

Submissions (2):

Ambry Genetics
Classification: Uncertain significance for Hereditary cancer-predisposing syndrome. Last evaluated: 2026-07-28. Review status: criteria provided, single submitter. Criteria: Ambry Variant Classification Scheme 2023. Collection method: clinical testing. Allele origin: germline.
Comment: The p.P968L variant (also known as c.2903C>T), located in coding exon 18 of the PTCH1 gene, results from a C to T substitution at nucleotide position 2903. The proline at codon 968 is replaced by leucine, an amino acid with similar properties. This amino acid position is highly conserved in available vertebrate species. In addition, this alteration is predicted to be deleterious by in silico analysis. Based on the available evidence, the clinical significance of this variant remains unclear.

Labcorp Genetics (formerly Invitae), Labcorp
Classification: Uncertain significance for Gorlin syndrome. Last evaluated: 2024-03-26. Review status: criteria provided, single submitter. Criteria: Invitae Variant Classification Sherloc (09022015). Collection method: clinical testing. Allele origin: germline.
Comment: This sequence change replaces proline, which is neutral and non-polar, with leucine, which is neutral and non-polar, at codon 968 of the PTCH1 protein (p.Pro968Leu). This variant is not present in population databases (gnomAD no frequency). This variant has not been reported in the literature in individuals affected with PTCH1-related conditions. ClinVar contains an entry for this variant (Variation ID: 2564352). Advanced modeling of protein sequence and biophysical properties (such as structural, functional, and spatial information, amino acid conservation, physicochemical variation, residue mobility, and thermodynamic stability) has been performed at Invitae for this missense variant, however the output from this modeling did not meet the statistical confidence thresholds required to predict the impact of this variant on PTCH1 protein function. In summary, the available evidence is currently insufficient to determine the role of this variant in disease. Therefore, it has been classified as a Variant of Uncertain Significance.

NM_000264.5(PTCH1):c.2903C>T (p.Pro968Leu)

Gene: PTCH1 (patched 1; minus strand). Cytogenetic location: 9q22.32.
Variant type: single nucleotide variant.
Coding change: c.2903C>T on transcript NM_000264.5 (MANE Select); coding-DNA position 2903, C replaced by T.
Protein change: p.Pro968Leu; replaces proline 968 with leucine.
Molecular consequence: missense variant. On other transcripts: non-coding transcript variant (1).
Genome position (GRCh38, 1-based): chr9:95,458,278, G>A on the plus strand (C>T on the coding strand, the complement: PTCH1 is on the minus strand). VCF-style: chr9-95458278-G-A. GRCh37 (hg19) VCF-style: chr9-98220560-G-A.
Other names: c.2705C>T, p.Pro902Leu (NM_001083602.3); c.2900C>T, p.Pro967Leu (NM_001083603.3); c.2450C>T, p.Pro817Leu (NM_001083604.3, NM_001083605.3, NM_001083606.3 and 1 more transcripts); c.2747C>T, p.Pro916Leu (NM_001354918.2); short protein forms P902L, P916L, P968L, P817L, P967L.
Identifiers: ClinVar variation 2564352 (VCV002564352.5), dbSNP rs770020639, ClinGen allele CA374112819.